The following continues an entry in ClinVar:

NM_001355526.2(EFCAB10):c.384-23T>G

ClinVar aggregate classification (germline): Benign. Benign (4).

Submissions 68 to 77 of 77:

Dr. Peter K. Rogan Lab, Western University
No classification provided (evidence only). Condition: Lymphoma. Review status: no classification provided. Collection method: in vitro. Allele origin: not applicable. Functional consequence: retained intron. Not counted in ClinVar's aggregate classification.

Dr. Peter K. Rogan Lab, Western University
No classification provided (evidence only). Condition: Lymphoma. Review status: no classification provided. Collection method: in vitro. Allele origin: not applicable. Functional consequence: retained intron. Not counted in ClinVar's aggregate classification.

Dr. Peter K. Rogan Lab, Western University
No classification provided (evidence only). Condition: Ovarian cancer. Review status: no classification provided. Collection method: in vitro. Allele origin: not applicable. Functional consequence: retained intron. Not counted in ClinVar's aggregate classification.

Dr. Peter K. Rogan Lab, Western University
No classification provided (evidence only). Condition: Ovarian cancer. Review status: no classification provided. Collection method: in vitro. Allele origin: not applicable. Functional consequence: retained intron. Not counted in ClinVar's aggregate classification.

Dr. Peter K. Rogan Lab, Western University
No classification provided (evidence only). Condition: Ovarian cancer. Review status: no classification provided. Collection method: in vitro. Allele origin: not applicable. Functional consequence: retained intron. Not counted in ClinVar's aggregate classification.

Dr. Peter K. Rogan Lab, Western University
No classification provided (evidence only). Condition: Ovarian cancer. Review status: no classification provided. Collection method: in vitro. Allele origin: not applicable. Functional consequence: retained intron. Not counted in ClinVar's aggregate classification.

Dr. Peter K. Rogan Lab, Western University
No classification provided (evidence only). Condition: Ovarian cancer. Review status: no classification provided. Collection method: in vitro. Allele origin: not applicable. Functional consequence: retained intron. Not counted in ClinVar's aggregate classification.

Dr. Peter K. Rogan Lab, Western University
No classification provided (evidence only). Condition: Ovarian cancer. Review status: no classification provided. Collection method: in vitro. Allele origin: not applicable. Functional consequence: retained intron. Not counted in ClinVar's aggregate classification.

Dr. Peter K. Rogan Lab, Western University
No classification provided (evidence only). Condition: Ovarian cancer. Review status: no classification provided. Collection method: in vitro. Allele origin: not applicable. Functional consequence: retained intron. Not counted in ClinVar's aggregate classification.

Dr. Peter K. Rogan Lab, Western University
No classification provided (evidence only). Condition: Ovarian cancer. Review status: no classification provided. Collection method: in vitro. Allele origin: not applicable. Functional consequence: retained intron. Not counted in ClinVar's aggregate classification.